The following is an entry in ClinVar:

NM_006235.3(POU2AF1):c.147+89_147+90insGG

Gene: POU2AF1 (POU class 2 homeobox associating factor 1; minus strand). Cytogenetic location: 11q23.1.
Variant type: Insertion.
Coding change: c.147+89_147+90insGG on transcript NM_006235.3 (MANE Select); bases 89 to 90 of the intron after coding-DNA position 147, GG inserted.
Molecular consequence: intron variant.
Genome position: GRCh38 VCF-style: chr11-111358698-T-TCC. GRCh37 (hg19) VCF-style: chr11-111229423-T-TCC.
Identifiers: ClinVar variation 2688200 (VCV002688200.2), dbSNP rs1555074608, ClinGen allele CA2615917294.

ClinVar aggregate classification (germline): Benign (1 of 4 stars; one submission).

Submission:

Unidad de Genómica Garrahan, Hospital de Pediatría Garrahan
Classification: Benign. Last evaluated: 2024-01-24. Review status: criteria provided, single submitter. Criteria: ACMG Guidelines, 2015. Collection method: clinical testing. Allele origin: germline. Affected: no. Observed: 34 variant alleles.
Comment: This variant is classified as Benign based on local population frequency. This variant was detected in 36% of patients studied by a panel of primary immunodeficiencies. Number of patients: 34. Only high quality variants are reported.